The following is an entry in ClinVar:

NM_000494.4(COL17A1):c.3579G>A (p.Trp1193Ter)

Gene: COL17A1 (collagen type XVII alpha 1 chain; minus strand). Cytogenetic location: 10q25.1.
Variant type: single nucleotide variant.
Coding change: c.3579G>A on transcript NM_000494.4 (MANE Select); coding-DNA position 3579, G replaced by A.
Protein change: p.Trp1193Ter; replaces tryptophan 1193 with a stop codon.
Molecular consequence: nonsense.
Genome position (GRCh38, 1-based): chr10:104,035,303, C>T on the plus strand (G>A on the coding strand, the complement: COL17A1 is on the minus strand). VCF-style: chr10-104035303-C-T. GRCh37 (hg19) VCF-style: chr10-105795061-C-T.
Other names: short protein forms W1193*.
Identifiers: ClinVar variation 1180606 (VCV001180606.4), dbSNP rs1237394833, ClinGen allele CA378066289.

ClinVar aggregate classification (germline): Pathogenic/Likely pathogenic. Review status: criteria provided, multiple submitters, no conflicts (2 of 4 stars). 2 submissions from 2 submitters: Pathogenic (1); Likely pathogenic (1). Last evaluated 2023-05-15.

Conditions:
Abnormality of the skin. Identifiers: MedGen C5848159, HP:0000951.

Allele frequency attached by ClinVar (database versions not stated): gnomAD exomes below 0.00001; TOPMed below 0.00001.
gnomAD v4.1: 2 of 1,614,188 alleles (0.00012%); highest among the groups gnomAD compares: East Asian, 0.0022%; no homozygotes.

Submissions (2):

Labcorp Genetics (formerly Invitae), Labcorp
Classification: Pathogenic. Last evaluated: 2023-05-15. Review status: criteria provided, single submitter. Criteria: Invitae Variant Classification Sherloc (09022015). Collection method: clinical testing. Allele origin: germline.
Comment: For these reasons, this variant has been classified as Pathogenic. ClinVar contains an entry for this variant (Variation ID: 1180606). This premature translational stop signal has been observed in individual(s) with autosomal recessive epidermolysis bullosa (PMID: 28830826, 33393081). This variant is not present in population databases (gnomAD no frequency). This sequence change creates a premature translational stop signal (p.Trp1193*) in the COL17A1 gene. It is expected to result in an absent or disrupted protein product. Loss-of-function variants in COL17A1 are known to be pathogenic (PMID: 16473856, 17344927, 20301304, 21357940, 24319098).

Kariminejad - Najmabadi Pathology & Genetics Center
Classification: Likely pathogenic for Abnormality of the skin. Last evaluated: 2021-07-10. Review status: criteria provided, single submitter. Criteria: ACMG Guidelines, 2015. Collection method: clinical testing. Allele origin: germline. Affected: yes.

Literature cited by the submitters: PubMed 28830826 (cited by Labcorp Genetics (formerly Invitae), Labcorp); PubMed 33393081 (cited by Labcorp Genetics (formerly Invitae), Labcorp); PubMed 16473856 (cited by Labcorp Genetics (formerly Invitae), Labcorp); PubMed 17344927 (cited by Labcorp Genetics (formerly Invitae), Labcorp); PubMed 20301304 (cited by Labcorp Genetics (formerly Invitae), Labcorp); PubMed 21357940 (cited by Labcorp Genetics (formerly Invitae), Labcorp); PubMed 24319098 (cited by Labcorp Genetics (formerly Invitae), Labcorp).